The following is an entry in ClinVar:

NM_170606.3(KMT2C):c.14657A>G (p.Tyr4886Cys)

Gene: KMT2C (lysine methyltransferase 2C; minus strand). Cytogenetic location: 7q36.1.
Variant type: single nucleotide variant.
Coding change: c.14657A>G on transcript NM_170606.3 (MANE Select); coding-DNA position 14657, A replaced by G.
Protein change: p.Tyr4886Cys; replaces tyrosine 4886 with cysteine.
Molecular consequence: missense variant.
Genome position (GRCh38, 1-based): chr7:152,136,911, T>C on the plus strand (A>G on the coding strand, the complement: KMT2C is on the minus strand). VCF-style: chr7-152136911-T-C. GRCh37 (hg19) VCF-style: chr7-151833996-T-C.
Other names: short protein forms Y4886C.
Identifiers: ClinVar variation 3361498 (VCV003361498.1).

ClinVar aggregate classification (germline): Uncertain significance (1 of 4 stars; one submission).

gnomAD v4.1: 6 of 1,612,820 alleles (0.00037%); highest among the groups gnomAD compares: East Asian, 0.0022%; no homozygotes.

Submission:

GeneDx
Classification: Uncertain significance. Last evaluated: 2023-07-24. Review status: criteria provided, single submitter. Criteria: GeneDx Variant Classification Process June 2021. Collection method: clinical testing. Allele origin: germline. Affected: yes.
Comment: Has not been previously published as pathogenic or benign to our knowledge; Not observed at significant frequency in large population cohorts (gnomAD); In silico analysis supports that this missense variant has a deleterious effect on protein structure/function